The following is an entry in ClinVar:

NM_133510.4(RAD51B):c.68A>G (p.Gln23Arg)

Gene: RAD51B (RAD51 paralog B; plus strand). Cytogenetic location: 14q24.1.
Variant type: single nucleotide variant.
Coding change: c.68A>G on transcript NM_133510.4 (MANE Select); coding-DNA position 68, A replaced by G.
Protein change: p.Gln23Arg; replaces glutamine 23 with arginine.
Molecular consequence: missense variant. On other transcripts: 5 prime UTR variant (2).
Genome position (GRCh38, 1-based): chr14:67,823,611, A>G. VCF-style: chr14-67823611-A-G. GRCh37 (hg19) VCF-style: chr14-68290328-A-G.
Other names: c.68A>G, p.Gln23Arg (NM_001321809.2, NM_001321810.2, NM_001321812.1 and 6 more transcripts); c.-47A>G (NM_001321815.1); c.-388A>G (NM_001321817.2); short protein forms Q23R.
Identifiers: ClinVar variation 3942332 (VCV003942332.1).
Genomic context (GRCh38, chr14:67,823,611, plus strand): 5'-GCAAGAAACTAAAACGAGTGGGTTTATCACAAGAGCTGTGTGACCGTCTGAGTAGACATC[A>G]GATCCTTACCTGTCAGGTAAATTTTATTTAACATTTTTATTGATAAGTTTTATGCACAAG-3'
Protein context (NP_598194.1, residues 13-33): QELCDRLSRH[Gln23Arg]ILTCQDFLCL

ClinVar aggregate classification (germline): Uncertain significance (1 of 4 stars; one submission).

gnomAD v4.1: 8 of 1,612,846 alleles (0.0005%); highest among the groups gnomAD compares: African/African-American, 0.0067%; no homozygotes.

Submission:

Ambry Genetics
Classification: Uncertain significance. Last evaluated: 2025-05-31. Review status: criteria provided, single submitter. Criteria: Ambry Variant Classification Scheme 2023. Collection method: clinical testing. Allele origin: germline.
Comment: The p.Q23R variant (also known as c.68A>G), located in coding exon 1 of the RAD51B gene, results from an A to G substitution at nucleotide position 68. The glutamine at codon 23 is replaced by arginine, an amino acid with highly similar properties. This amino acid position is conserved. In addition, this alteration is predicted to be tolerated by in silico analysis. Based on the available evidence, the clinical significance of this variant remains unclear.